The following is an entry in ClinVar:

NM_001556.3(IKBKB):c.1677G>T (p.Thr559=)

Gene: IKBKB (inhibitor of nuclear factor kappa B kinase subunit beta; plus strand). Cytogenetic location: 8p11.21.
Variant type: single nucleotide variant.
Coding change: c.1677G>T on transcript NM_001556.3 (MANE Select); coding-DNA position 1677, G replaced by T.
Protein change: p.Thr559=; no amino-acid change (threonine 559 retained).
Molecular consequence: synonymous variant. On other transcripts: non-coding transcript variant (3).
Genome position (GRCh38, 1-based): chr8:42,320,833, G>T. VCF-style: chr8-42320833-G-T. GRCh37 (hg19) VCF-style: chr8-42178351-G-T.
Other names: c.1485G>T, p.Thr495= (NM_001190720.3); c.1500G>T, p.Thr500= (NM_001242778.2).
Identifiers: ClinVar variation 785772 (VCV000785772.40), dbSNP rs143855451, ClinGen allele CA4732076.
Genomic context (GRCh38, chr8:42,320,833, plus strand): 5'-TCTGCAGACCGACATTGTGGACTTACAGAGGAGCCCCATGGGCCGGAAGCAGGGGGGAAC[G>T]CTGGACGACCTGTGAGTACTGGCTGGGGGGCCCCTCTGTGCCCAGCACACACAGACAGCC-3'
Protein context (NP_001547.1, residues 549-569): RSPMGRKQGG[Thr559=]LDDLEEQARE

ClinVar aggregate classification (germline): Benign/Likely benign. Review status: criteria provided, multiple submitters, no conflicts (2 of 4 stars). 6 submissions from 6 submitters: Benign (1); Likely benign (3). 2 of the submissions do not count toward it. Last evaluated 2026-04-20.

Conditions:
Severe combined immunodeficiency due to IKK2 deficiency. Also called: IMMUNODEFICIENCY 15B; Immunodeficiency 15. Identifiers: Orphanet 397787, MedGen C4747743, MONDO:0014267, OMIM 615592.

Allele frequency attached by ClinVar (database versions not stated): gnomAD 0.00070; 1000 Genomes Project 30x 0.00078; 1000 Genomes Project 0.00080; TOPMed 0.00109; ESP Exome Variant Server 0.00115.
gnomAD v4.1: 2,039 of 1,592,140 alleles (0.13%); highest among the groups gnomAD compares: Non-Finnish European, 0.15%; 2 homozygotes.

Submissions (6):

Women's Health and Genetics/Laboratory Corporation of America, LabCorp
Classification: Likely benign. Last evaluated: 2026-04-20. Review status: criteria provided, single submitter. Criteria: LabCorp Variant Classification Summary - May 2015. Collection method: clinical testing. Allele origin: germline.

Labcorp Genetics (formerly Invitae), Labcorp
Classification: Benign for Severe combined immunodeficiency due to IKK2 deficiency. Last evaluated: 2026-02-04. Review status: criteria provided, single submitter. Criteria: Invitae Variant Classification Sherloc (09022015). Collection method: clinical testing. Allele origin: germline.

Blueprint Genetics
Classification: Likely benign. Last evaluated: 2024-11-06. Review status: criteria provided, single submitter. Criteria: ACMG Guidelines, 2015. Collection method: clinical testing. Allele origin: germline.

CeGaT Center for Human Genetics Tuebingen
Classification: Likely benign. Last evaluated: 2023-05-01. Review status: criteria provided, single submitter. Criteria: CeGaT Center For Human Genetics Tuebingen Variant Classification Criteria Version 2. Collection method: clinical testing. Allele origin: germline. Affected: yes. Observed: 2 variant alleles.
Comment: IKBKB: BP4, BP7

Clinical Genetics DNA and cytogenetics Diagnostics Lab, Erasmus MC, Erasmus Medical Center
Classification: Likely benign. Review status: no assertion criteria provided. Collection method: clinical testing. Allele origin: germline. Affected: yes. Study: VKGL Data-share Consensus. Not counted in ClinVar's aggregate classification.

Genome Diagnostics Laboratory, University Medical Center Utrecht
Classification: Likely benign. Review status: no assertion criteria provided. Collection method: clinical testing. Allele origin: germline. Affected: yes. Study: VKGL Data-share Consensus. Not counted in ClinVar's aggregate classification.